The following is an entry in ClinVar:

ClinVar aggregate classification (germline): Conflicting classifications of pathogenicity. Review status: criteria provided, conflicting classifications (1 of 4 stars). 10 submissions from 10 submitters: Uncertain significance (8); Likely benign (1). 1 of the submissions does not count toward it. Last evaluated 2026-01-28.

Conditions:
Smith-Lemli-Opitz syndrome (SLOS). Also called: 7-Dehydrocholesterol reductase deficiency; POLYDACTYLY, SEX REVERSAL, RENAL HYPOPLASIA, AND UNILOBAR LUNG; RSH SYNDROME; RUTLEDGE LETHAL MULTIPLE CONGENITAL ANOMALY SYNDROME; LETHAL ACRODYSGENITAL SYNDROME. Identifiers: Orphanet 818, MedGen C0175694, MONDO:0010035, OMIM 270400.
Inborn genetic diseases. Identifiers: MedGen C0950123, MeSH D030342.
DHCR7-related disorder. Also called: DHCR7-related condition.

Allele frequency attached by ClinVar (database versions not stated): gnomAD 0.00004 and 0.00012; TOPMed 0.00008; gnomAD exomes 0.00016 and 0.00035; ExAC 0.00043; 1000 Genomes Project 0.00080; 1000 Genomes Project 30x 0.00094.
gnomAD v4.1: 258 of 1,613,132 alleles (0.016%); highest among the groups gnomAD compares: South Asian, 0.25%; 3 homozygotes.

Submissions (10):

Labcorp Genetics (formerly Invitae), Labcorp
Classification: Likely benign for Smith-Lemli-Opitz syndrome. Last evaluated: 2026-01-28. Review status: criteria provided, single submitter. Criteria: Invitae Variant Classification Sherloc (09022015). Collection method: clinical testing. Allele origin: germline.

GeneDx
Classification: Uncertain significance. Last evaluated: 2025-03-18. Review status: criteria provided, single submitter. Criteria: GeneDx Variant Classification Process June 2021. Collection method: clinical testing. Allele origin: germline. Affected: yes.
Comment: Has not been previously reported in peer-reviewed literature as pathogenic or benign to our knowledge. However, an abstract by Markholt et al. (2019) reported T364M in the homozygous state in a fetus with occipital encephalocele, although the variant was identified in the heterozygous state in a similarly affected related fetus and both fetuses also harbored a homozygous variant in the CSPP1 gene. (Markholt_2019_Abstract); In silico analysis supports that this missense variant has a deleterious effect on protein structure/function; This variant is associated with the following publications: (PMID: Markholt_2019_Abstract)

Blueprint Genetics
Classification: Uncertain significance. Last evaluated: 2024-11-06. Review status: criteria provided, single submitter. Criteria: ACMG Guidelines, 2015. Collection method: clinical testing. Allele origin: germline.

Dubai Health Genomic Medicine Center, Dubai Health
Classification: Uncertain significance for Smith-Lemli-Opitz syndrome. Last evaluated: 2019-12-26. Review status: criteria provided, single submitter. Criteria: ACMG Guidelines, 2015. Collection method: clinical testing. Allele origin: germline. Affected: yes.

Fulgent Genetics
Classification: Uncertain significance for Smith-Lemli-Opitz syndrome. Last evaluated: 2018-10-31. Review status: criteria provided, single submitter. Criteria: ACMG Guidelines, 2015. Collection method: clinical testing. Allele origin: unknown.

Eurofins Ntd Llc (ga)
Classification: Uncertain significance. Last evaluated: 2018-02-14. Review status: criteria provided, single submitter. Criteria: EGL ClinVar v180209 classification definitions. Collection method: clinical testing. Allele origin: germline. Observed: 2 variant alleles, 2 heterozygotes.

Illumina Laboratory Services, Illumina
Classification: Uncertain significance for Smith-Lemli-Opitz syndrome. Last evaluated: 2018-01-13. Review status: criteria provided, single submitter. Criteria: ICSL Variant Classification Criteria 13 December 2019. Collection method: clinical testing. Allele origin: germline.

Genetic Services Laboratory, University of Chicago
Classification: Uncertain significance. Last evaluated: 2016-12-23. Review status: criteria provided, single submitter. Criteria: ACMG Guidelines, 2015. Collection method: clinical testing. Allele origin: germline. Affected: no.

Ambry Genetics
Classification: Uncertain significance for Inborn genetic diseases. Last evaluated: 2016-10-25. Review status: criteria provided, single submitter. Criteria: Ambry Variant Classification Scheme 2023. Collection method: clinical testing. Allele origin: germline.
Comment: The p.T364M variant (also known as c.1091C>T), located in coding exon 7 of the DHCR7 gene, results from a C to T substitution at nucleotide position 1091. The threonine at codon 364 is replaced by methionine, an amino acid with similar properties. This variant was not reported in population based cohorts in the following databases: Database of Single Nucleotide Polymorphisms (dbSNP), NHLBI Exome Sequencing Project (ESP), and 1000 Genomes Project. In the ESP, this variant was not observed in 6493 samples (12986 alleles) with coverage at this position. This amino acid position is well conserved in available vertebrate species. In addition, this alteration is predicted to be deleterious by in silico analysis. Since supporting evidence is limited at this time, the clinical significance of this alteration remains unclear.

PreventionGenetics, part of Exact Sciences
Classification: Likely benign for DHCR7-related condition. Last evaluated: 2024-01-08. Review status: no assertion criteria provided. Collection method: clinical testing. Allele origin: germline. Not counted in ClinVar's aggregate classification.
Comment: This variant is classified as likely benign based on ACMG/AMP sequence variant interpretation guidelines (Richards et al. 2015 PMID: 25741868, with internal and published modifications).

NM_001360.3(DHCR7):c.1091C>T (p.Thr364Met)

Gene: DHCR7 (7-dehydrocholesterol reductase; minus strand). Cytogenetic location: 11q13.4.
Variant type: single nucleotide variant.
Coding change: c.1091C>T on transcript NM_001360.3 (MANE Select); coding-DNA position 1091, C replaced by T.
Protein change: p.Thr364Met; replaces threonine 364 with methionine.
Molecular consequence: missense variant.
Genome position (GRCh38, 1-based): chr11:71,435,712, G>A on the plus strand (C>T on the coding strand, the complement: DHCR7 is on the minus strand). VCF-style: chr11-71435712-G-A. GRCh37 (hg19) VCF-style: chr11-71146758-G-A.
Other names: c.1091C>T, p.Thr364Met (NM_001163817.2); short protein forms T364M.
Identifiers: ClinVar variation 305954 (VCV000305954.37), dbSNP rs567600444, ClinGen allele CA6162314.